The following is an entry in ClinVar:

ClinVar aggregate classification (germline): Likely benign (1 of 4 stars; one submission).

Allele frequency attached by ClinVar (database versions not stated): 1000 Genomes Project 30x 0.00359; 1000 Genomes Project 0.00399; TOPMed 0.00691; gnomAD 0.00964 and 0.00984.
gnomAD v4.1: 1,451 of 152,270 alleles (0.95%); highest among the groups gnomAD compares: Non-Finnish European, 1.2%; 13 homozygotes.

Submission:

GeneDx
Classification: Likely benign. Last evaluated: 2018-06-19. Review status: criteria provided, single submitter. Criteria: GeneDx Variant Classification (06012015). Collection method: clinical testing. Allele origin: germline. Affected: yes.
Comment: This variant is considered likely benign or benign based on one or more of the following criteria: it is a conservative change, it occurs at a poorly conserved position in the protein, it is predicted to be benign by multiple in silico algorithms, and/or has population frequency not consistent with disease.

NM_032380.5(GFM2):c.519+181G>T

Gene: GFM2 (GTP dependent ribosome recycling factor mitochondrial 2; minus strand). Cytogenetic location: 5q13.3.
Variant type: single nucleotide variant.
Coding change: c.519+181G>T on transcript NM_032380.5 (MANE Select); 181 bases into the intron after coding-DNA position 519, G replaced by T.
Molecular consequence: intron variant.
Genome position (GRCh38, 1-based): chr5:74,750,398, C>A on the plus strand (G>T on the coding strand, the complement: GFM2 is on the minus strand). VCF-style: chr5-74750398-C-A. GRCh37 (hg19) VCF-style: chr5-74046223-C-A.
Other names: c.519+181G>T (NM_170691.3, NM_170681.3); c.615+181G>T (NM_001281302.2).
Identifiers: ClinVar variation 680609 (VCV000680609.1), dbSNP rs13184615, ClinGen allele CA120925905.